The following is an entry in ClinVar:

ClinVar aggregate classification (germline): Conflicting classifications of pathogenicity. Review status: criteria provided, conflicting classifications (1 of 4 stars). 5 submissions from 5 submitters: Uncertain significance (4); Likely benign (1). Last evaluated 2026-02-03.

Conditions:
Tuberous sclerosis syndrome (TSC). Also called: Tuberous sclerosis; Tuberous Sclerosis Complex. Identifiers: Orphanet 805, MedGen C0041341, MONDO:0001734.
Lymphangiomyomatosis (LAM). Also called: Lymphangioleiomyomatosis, somatic; Lymphangioleiomyomatosis. Identifiers: Orphanet 538, MedGen C0751674, MONDO:0011705, OMIM 606690.
Tuberous sclerosis 2 (TSC2). Identifiers: Orphanet 805, MedGen C1860707, MONDO:0013199, OMIM 613254.
Hereditary cancer-predisposing syndrome. Also called: Neoplastic Syndromes, Hereditary; Hereditary Cancer Syndrome; Tumor predisposition; Hereditary neoplastic syndrome. Identifiers: Orphanet 140162, MedGen C0027672, MeSH D009386, MONDO:0015356.

Allele frequency attached by ClinVar (database versions not stated): gnomAD 0.00001; gnomAD exomes 0.00001; ExAC 0.00003; TOPMed 0.00003.
gnomAD v4.1: 10 of 1,612,558 alleles (0.00062%); highest among the groups gnomAD compares: Non-Finnish European, 0.00085%; no homozygotes.

Submissions (5):

Labcorp Genetics (formerly Invitae), Labcorp
Classification: Likely benign for Tuberous sclerosis 2. Last evaluated: 2026-02-03. Review status: criteria provided, single submitter. Criteria: Invitae Variant Classification Sherloc (09022015). Collection method: clinical testing. Allele origin: germline.

Clinical Genomics Laboratory, Washington University in St. Louis
Classification: Uncertain significance for Lymphangiomyomatosis. Last evaluated: 2025-08-03. Review status: criteria provided, single submitter. Criteria: Leon-Quintero et al. (Clin Genet. 2025). Collection method: clinical testing. Allele origin: somatic. Affected: yes.
Comment: A TSC2 c.4603G>A (p.Asp1535Asn) variant was identified at an allelic fraction consistent with somatic origin. This variant has been reported in the ClinVar database in the germline state as a variant of uncertain significance by two submitters and a likely benign variant by one submitter (ClinVar ID: 798176). This variant is only observed in 10/1,612,558 alleles in the general population (gnomAD v4.1.0), indicating it is not a common variant. Computational predictors indicate that the variant is damaging, evidence that correlates with impact to TSC2 function. Due to limited information, and based on internally developed protocol informed by the ACMG/AMP guidelines for variant interpretation and gene-specific practices from the ClinGen Criteria Specification Registry (Leon-Quintero FZ et al., PMID: 39434542), the clinical significance of the TSC2 c.4603G>A (p.Asp1535Asn) is uncertain at this time.

Color Diagnostics, LLC DBA Color Health
Classification: Uncertain significance for Tuberous sclerosis syndrome. Last evaluated: 2025-07-11. Review status: criteria provided, single submitter. Criteria: ACMG Guidelines, 2015. Collection method: clinical testing. Allele origin: germline.
Comment: This missense variant replaces aspartic acid with asparagine at codon 1535 of the TSC2 protein. Computational prediction suggests that this variant may have deleterious impact on protein structure and function. To our knowledge, functional studies have not been reported for this variant. This variant has not been reported in individuals affected with TSC2-related disorders in the literature. This variant has been identified in 3/249986 chromosomes in the general population by the Genome Aggregation Database (gnomAD). The available evidence is insufficient to determine the role of this variant in disease conclusively. Therefore, this variant is classified as a Variant of Uncertain Significance.

Ambry Genetics
Classification: Uncertain significance for Hereditary cancer-predisposing syndrome. Last evaluated: 2024-03-27. Review status: criteria provided, single submitter. Criteria: Ambry Variant Classification Scheme 2023. Collection method: clinical testing. Allele origin: germline.
Comment: The p.D1535N variant (also known as c.4603G>A), located in coding exon 35 of the TSC2 gene, results from a G to A substitution at nucleotide position 4603. The aspartic acid at codon 1535 is replaced by asparagine, an amino acid with highly similar properties. This amino acid position is highly conserved in available vertebrate species. In addition, this alteration is predicted to be deleterious by in silico analysis. Since supporting evidence is limited at this time, the clinical significance of this alteration remains unclear.

All of Us Research Program, National Institutes of Health
Classification: Uncertain significance for Tuberous sclerosis syndrome. Last evaluated: 2023-11-20. Review status: criteria provided, single submitter. Criteria: ACMG Guidelines, 2015. Collection method: clinical testing. Allele origin: germline. Inheritance: Autosomal dominant inheritance. Observed: 3 variant alleles, 3 heterozygotes.
Comment: This missense variant replaces aspartic acid with asparagine at codon 1535 of the TSC2 protein. Computational prediction suggests that this variant may have deleterious impact on protein structure and function (internally defined REVEL score threshold >= 0.7, PMID: 27666373). To our knowledge, functional studies have not been reported for this variant. This variant has not been reported in individuals affected with TSC2-related disorders in the literature. This variant has been identified in 3/249986 chromosomes in the general population by the Genome Aggregation Database (gnomAD). The available evidence is insufficient to determine the role of this variant in disease conclusively. Therefore, this variant is classified as a Variant of Uncertain Significance.

This study involves interpretation of variants in research participants for the purpose of population health screening. Participant phenotype was not available at the time of variant classification. Additional details can be found in publication PMID: 35346344, PMCID: PMC8962531

NM_000548.5(TSC2):c.4603G>A (p.Asp1535Asn)

Gene: TSC2 (TSC complex subunit 2; plus strand). Cytogenetic location: 16p13.3.
Variant type: single nucleotide variant.
Coding change: c.4603G>A on transcript NM_000548.5 (MANE Select); coding-DNA position 4603, G replaced by A.
Protein change: p.Asp1535Asn; replaces aspartic acid 1535 with asparagine.
Molecular consequence: missense variant.
Genome position (GRCh38, 1-based): chr16:2,085,263, G>A. VCF-style: chr16-2085263-G-A. GRCh37 (hg19) VCF-style: chr16-2135264-G-A.
Other names: c.4402G>A, p.Asp1468Asn (NM_001077183.3); c.4534G>A, p.Asp1512Asn (NM_001114382.3); c.4294G>A, p.Asp1432Asn (NM_001318827.2); c.4258G>A, p.Asp1420Asn (NM_001318829.2); c.3871G>A, p.Asp1291Asn (NM_001318831.2); c.4435G>A, p.Asp1479Asn (NM_001318832.2); c.4405G>A, p.Asp1469Asn (NM_001363528.2); c.4471G>A, p.Asp1491Asn (NM_001370404.1); and 1 more; short protein forms D1512N, D1491N, D1291N, D1420N, D1432N, D1468N, D1469N, D1492N.
Identifiers: ClinVar variation 798176 (VCV000798176.17), dbSNP rs45517353, ClinGen allele CA051924.